The following is an entry in ClinVar:

NM_006015.6(ARID1A):c.2723T>A (p.Ile908Asn)

Gene: ARID1A (AT-rich interaction domain 1A; plus strand). Cytogenetic location: 1p36.11.
Variant type: single nucleotide variant.
Coding change: c.2723T>A on transcript NM_006015.6 (MANE Select); coding-DNA position 2723, T replaced by A.
Protein change: p.Ile908Asn; replaces isoleucine 908 with asparagine.
Molecular consequence: missense variant.
Genome position (GRCh38, 1-based): chr1:26,763,276, T>A. VCF-style: chr1-26763276-T-A. GRCh37 (hg19) VCF-style: chr1-27089767-T-A.
Other names: c.2723T>A, p.Ile908Asn (NM_139135.4); short protein forms I908N.
Identifiers: ClinVar variation 4769989 (VCV004769989.2).
Genomic context (GRCh38, chr1:26,763,276, plus strand): 5'-GGGGCATGAACCGGAAAACCCAAGAAACTGCTGTCGCCATGCATGTTGCTGCCAACTCTA[T>A]CCAAAACAGGTAAGGCCTGGGAAGCAGAGAGGGTGTCAGTGCAAGAAAATGTATTATAGA-3'
Protein context (NP_006006.3, residues 898-918): AVAMHVAANS[Ile908Asn]QNRPPGYPNM

ClinVar aggregate classification (germline): Conflicting classifications of pathogenicity. Review status: criteria provided, conflicting classifications (1 of 4 stars). 2 submissions from 2 submitters: Uncertain significance (1); Likely benign (1). Last evaluated 2026-04-09.

Conditions:
Intellectual disability, autosomal dominant 14 (CSS2). Also called: COFFIN-SIRIS SYNDROME 2. Identifiers: Orphanet 1465, MedGen C3553247, MONDO:0013819, OMIM 614607.

Submissions (2):

Centre for Medical Genetics,  Mumbai
Classification: Likely benign for Intellectual disability, autosomal dominant 14. Last evaluated: 2026-04-09. Review status: criteria provided, single submitter. Criteria: ACMG Guidelines, 2015. Collection method: provider interpretation. Allele origin: germline. Inheritance: Autosomal dominant inheritance. Affected: no. Observed: 1 variant allele, 1 heterozygote.
Comment: The variant satisfies PM2 criteria - extremely low frequency in gnomAD population databases. The variant satisfies PP2 criteria - missense variant in a gene with low rate of benign missense mutations and for which missense mutation is a common mechanism of a disease. However, the variant satisfies BS2 criteria - present in heterozygous state in an individual that clinically does not have Coffin-Siris syndrome 2.

Labcorp Genetics (formerly Invitae), Labcorp
Classification: Uncertain significance. Last evaluated: 2025-12-05. Review status: criteria provided, single submitter. Criteria: Invitae Variant Classification Sherloc (09022015). Collection method: clinical testing. Allele origin: germline.
Comment: This sequence change replaces isoleucine, which is neutral and non-polar, with asparagine, which is neutral and polar, at codon 908 of the ARID1A protein (p.Ile908Asn). This variant is not present in population databases (gnomAD no frequency). This variant has not been reported in the literature in individuals affected with ARID1A-related conditions. Invitae Evidence Modeling of protein sequence and biophysical properties (such as structural, functional, and spatial information, amino acid conservation, physicochemical variation, residue mobility, and thermodynamic stability) indicates that this missense variant is not expected to disrupt ARID1A protein function with a negative predictive value of 95%. In summary, the available evidence is currently insufficient to determine the role of this variant in disease. Therefore, it has been classified as a Variant of Uncertain Significance.

Literature cited by the submitters: PubMed 22426308 (cited by Centre for Medical Genetics,  Mumbai).